The following is an entry in ClinVar:

ClinVar aggregate classification (germline): Benign/Likely benign. Review status: criteria provided, multiple submitters, no conflicts (2 of 4 stars). 7 submissions from 7 submitters: Benign (1); Likely benign (5). 1 of the submissions does not count toward it. Last evaluated 2025-08-18.

Conditions:
CTCF-related disorder. Also called: CTCF-related condition. Identifiers: MedGen CN381101.
CTCF-related neurodevelopmental disorder. Also called: Intellectual disability-feeding difficulties-developmental delay-microcephaly syndrome; INTELLECTUAL DEVELOPMENTAL DISORDER, AUTOSOMAL DOMINANT 21. Identifiers: Orphanet 363611, MedGen C3809686, MONDO:0014213, OMIM 615502.

Allele frequency attached by ClinVar (database versions not stated): gnomAD 0.00359 and 0.00345; TOPMed 0.00383; ESP Exome Variant Server 0.00416; gnomAD exomes 0.00061 and 0.00127; ExAC 0.00149; 1000 Genomes Project 30x 0.00765; 1000 Genomes Project 0.00779.
gnomAD v4.1: 1,459 of 1,593,208 alleles (0.092%); highest among the groups gnomAD compares: African/African-American, 1.2%; 9 homozygotes.

Submissions (7):

Genomic Medicine Center of Excellence, King Faisal Specialist Hospital and Research Centre
Classification: Likely benign. Last evaluated: 2025-08-18. Review status: criteria provided, single submitter. Criteria: ACMG Guidelines, 2015. Collection method: clinical testing. Allele origin: germline.

Blueprint Genetics
Classification: Likely benign. Last evaluated: 2024-11-07. Review status: criteria provided, single submitter. Criteria: ACMG Guidelines, 2015. Collection method: clinical testing. Allele origin: germline.

GeneDx
Classification: Likely benign. Last evaluated: 2022-02-24. Review status: criteria provided, single submitter. Criteria: GeneDx Variant Classification Process June 2021. Collection method: clinical testing. Allele origin: germline. Affected: yes.

Fulgent Genetics
Classification: Likely benign for CTCF-related neurodevelopmental disorder. Last evaluated: 2021-12-23. Review status: criteria provided, single submitter. Criteria: ACMG Guidelines, 2015. Collection method: clinical testing. Allele origin: unknown.

Labcorp Genetics (formerly Invitae), Labcorp
Classification: Benign. Last evaluated: 2019-12-31. Review status: criteria provided, single submitter. Criteria: Invitae Variant Classification Sherloc (09022015). Collection method: clinical testing. Allele origin: germline.

Breakthrough Genomics
Classification: Likely benign. Review status: criteria provided, single submitter. Criteria: ACMG Guidelines, 2015. Collection method: not provided. Allele origin: germline. Inheritance: Autosomal dominant inheritance. Affected: yes.

PreventionGenetics, part of Exact Sciences
Classification: Benign for CTCF-related condition. Last evaluated: 2022-04-06. Review status: no assertion criteria provided. Collection method: clinical testing. Allele origin: germline. Not counted in ClinVar's aggregate classification.
Comment: This variant is classified as benign based on ACMG/AMP sequence variant interpretation guidelines (Richards et al. 2015 PMID: 25741868, with internal and published modifications).

NM_006565.4(CTCF):c.1702-10T>C

Gene: CTCF (CCCTC-binding factor; plus strand). Cytogenetic location: 16q22.1.
Variant type: single nucleotide variant.
Coding change: c.1702-10T>C on transcript NM_006565.4 (MANE Select); 10 bases into the intron before coding-DNA position 1702, T replaced by C.
Molecular consequence: intron variant.
Genome position (GRCh38, 1-based): chr16:67,629,388, T>C. VCF-style: chr16-67629388-T-C. GRCh37 (hg19) VCF-style: chr16-67663291-T-C.
Other names: c.1702-10T>C (NM_001438969.1, NM_001438968.1, NM_001363916.2); c.718-10T>C (NM_001191022.2).
Identifiers: ClinVar variation 791558 (VCV000791558.14), dbSNP rs151017109, ClinGen allele CA8112761.
Genomic context (GRCh38, chr16:67,629,388, plus strand): 5'-AAGTAAATAACTTCCAATCTGATCTTAGCTTTTTTAGTGGTGTGAAAGAGGATTTTGTTC[T>C]TTTTGTTAGAATACCATGGCAAGACATGCTGATAATTGTGCTGGCCCAGATGGCGTAGAG-3'